The following is an entry in ClinVar:

ClinVar aggregate classification (germline): Uncertain significance (1 of 4 stars; one submission).

Conditions:
Joubert syndrome. Also called: CEREBELLOPARENCHYMAL DISORDER IV; JOUBERT-BOLTSHAUSER SYNDROME; Familial aplasia of the vermis. Identifiers: Orphanet 475, MedGen C5979921, MONDO:0018772.
Meckel-Gruber syndrome. Also called: DYSENCEPHALIA SPLANCHNOCYSTICA; GRUBER SYNDROME; Dysencephalia splachnocystica. Identifiers: Orphanet 564, MedGen C0265215, MONDO:0018921.

gnomAD v4.1: 4 of 1,551,146 alleles (0.00026%); highest among the groups gnomAD compares: Admixed American, 0.0039%; no homozygotes.

Submission:

Labcorp Genetics (formerly Invitae), Labcorp
Classification: Uncertain significance for Joubert syndrome; Meckel-Gruber syndrome. Last evaluated: 2021-08-28. Review status: criteria provided, single submitter. Criteria: Invitae Variant Classification Sherloc (09022015). Collection method: clinical testing. Allele origin: germline.
Comment: In summary, the available evidence is currently insufficient to determine the role of this variant in disease. Therefore, it has been classified as a Variant of Uncertain Significance. This sequence change replaces glycine with arginine at codon 11 of the MKS1 protein (p.Gly11Arg). The glycine residue is moderately conserved and there is a moderate physicochemical difference between glycine and arginine. Algorithms developed to predict the effect of missense changes on protein structure and function are either unavailable or do not agree on the potential impact of this missense change (SIFT: "Deleterious"; PolyPhen-2: "Probably Damaging"; Align-GVGD: "Class C0"). This missense change has been observed in individual(s) with clinical features of Joubert syndrome (Invitae). This variant is not present in population databases (ExAC no frequency).

NM_017777.4(MKS1):c.31G>C (p.Gly11Arg)

Genes: MKS1 (MKS transition zone complex subunit 1; minus strand), LOC130061271 (ATAC-STARR-seq lymphoblastoid active region 12461; plus strand). Cytogenetic location: 17q22.
Variant type: single nucleotide variant.
Coding change: c.31G>C on transcript NM_017777.4 (MANE Select); coding-DNA position 31, G replaced by C.
Protein change: p.Gly11Arg; replaces glycine 11 with arginine.
Molecular consequence: missense variant. On other transcripts: 5 prime UTR variant (1).
Genome position (GRCh38, 1-based): chr17:58,219,200, C>G on the plus strand (G>C on the coding strand, the complement: MKS1 is on the minus strand). VCF-style: chr17-58219200-C-G. GRCh37 (hg19) VCF-style: chr17-56296561-C-G.
Other names: c.-481G>C (NM_001321268.2); c.31G>C, p.Gly11Arg (NM_001321269.2, NM_001330397.2); short protein forms G11R.
Identifiers: ClinVar variation 1364065 (VCV001364065.6), dbSNP rs762103206, ClinGen allele CA400328199.